The following is an entry in ClinVar:

NM_006892.4(DNMT3B):c.1685A>G (p.Lys562Arg)

Genes: DNMT3B (DNA methyltransferase 3 beta; plus strand), LOC126863014 (CDK7 strongly-dependent group 2 enhancer GRCh37_chr20:31385992-31387191; plus strand). Cytogenetic location: 20q11.21.
Variant type: single nucleotide variant.
Coding change: c.1685A>G on transcript NM_006892.4 (MANE Select); coding-DNA position 1685, A replaced by G.
Protein change: p.Lys562Arg; replaces lysine 562 with arginine.
Molecular consequence: missense variant.
Genome position (GRCh38, 1-based): chr20:32,799,254, A>G. VCF-style: chr20-32799254-A-G. GRCh37 (hg19) VCF-style: chr20-31387060-A-G.
Other names: c.1499A>G, p.Lys500Arg (NM_001207055.2); c.1397A>G, p.Lys466Arg (NM_001207056.2); c.1625A>G, p.Lys542Arg (NM_175848.2, NM_175849.2); c.1661A>G, p.Lys554Arg (NM_175850.3); short protein forms K500R, K554R, K562R, K542R, K466R.
Identifiers: ClinVar variation 2076151 (VCV002076151.3), dbSNP rs2515628394, ClinGen allele CA408587544.

ClinVar aggregate classification (germline): Uncertain significance (1 of 4 stars; one submission).

Conditions:
Centromeric instability of chromosomes 1,9 and 16 and immunodeficiency (ICF1). Also called: IMMUNE DEFICIENCY, VARIABLE, WITH CENTROMERIC INSTABILITY OF CHROMOSOMES 1, 9, AND 16; IMMUNODEFICIENCY SYNDROME, VARIABLE; Immunodeficiency-centromeric instability-facial anomalies; CENTROMERIC INSTABILITY, IMMUNODEFICIENCY SYNDROME. Identifiers: Orphanet 2268, MedGen C0398788, MONDO:0000133.

Allele frequency attached by ClinVar (database versions not stated): gnomAD exomes below 0.00001.
gnomAD v4.1: 1 of 1,612,652 alleles (0.000062%); highest among the groups gnomAD compares: African/African-American, 0.0013%; no homozygotes.

Submission:

Labcorp Genetics (formerly Invitae), Labcorp
Classification: Uncertain significance for Centromeric instability of chromosomes 1,9 and 16 and immunodeficiency. Last evaluated: 2024-02-05. Review status: criteria provided, single submitter. Criteria: Invitae Variant Classification Sherloc (09022015). Collection method: clinical testing. Allele origin: germline.
Comment: This sequence change replaces lysine, which is basic and polar, with arginine, which is basic and polar, at codon 562 of the DNMT3B protein (p.Lys562Arg). This variant is not present in population databases (gnomAD no frequency). This variant has not been reported in the literature in individuals affected with DNMT3B-related conditions. ClinVar contains an entry for this variant (Variation ID: 2076151). Advanced modeling of protein sequence and biophysical properties (such as structural, functional, and spatial information, amino acid conservation, physicochemical variation, residue mobility, and thermodynamic stability) performed at Invitae indicates that this missense variant is not expected to disrupt DNMT3B protein function with a negative predictive value of 80%. In summary, the available evidence is currently insufficient to determine the role of this variant in disease. Therefore, it has been classified as a Variant of Uncertain Significance.